The following is an entry in ClinVar:

NM_015311.3(OBSL1):c.2474del (p.Val825fs)

Gene: OBSL1 (obscurin like cytoskeletal adaptor 1; minus strand). Cytogenetic location: 2q35.
Variant type: Deletion.
Coding change: c.2474del on transcript NM_015311.3 (MANE Select); coding-DNA position 2474, one base deleted (T; older notation c.2474delT).
Protein change: p.Val825fs; shifts the reading frame from valine 825.
Molecular consequence: frameshift variant.
Genome position (GRCh38, 1-based): chr2:219,563,561, A deleted on the plus strand (T on the coding strand, the reverse complement: OBSL1 is on the minus strand). VCF-style (leftmost placement, unchanged base first): chr2-219563560-GA-G. GRCh37 (hg19) VCF-style: chr2-220428282-GA-G.
Other names: c.2474del, p.Val825fs (NM_001173408.2, NM_001173431.2); short protein forms V825fs.
Identifiers: ClinVar variation 374349 (VCV000374349.1), dbSNP rs1057518716, ClinGen allele CA16043655.

ClinVar aggregate classification (germline): Pathogenic (0 of 4 stars; one submission).

Conditions:
3M syndrome 2. Also called: THREE M SYNDROME 2; 3-M Syndrome, OBSL1-Related. Identifiers: Orphanet 2616, MedGen C2752041, MONDO:0013039, OMIM 612921.

Submission:

Baylor Genetics
Classification: Pathogenic for 3M syndrome 2. Last evaluated: 2016-05-01. Review status: no assertion criteria provided. Collection method: clinical testing. Allele origin: maternal, germline. Inheritance: Autosomal recessive inheritance. Affected: yes.